The following is an entry in ClinVar:

ClinVar aggregate classification (germline): Uncertain significance (1 of 4 stars; one submission).

Conditions:
Cardiovascular phenotype. Identifiers: MedGen CN230736.

Submission:

Ambry Genetics
Classification: Uncertain significance for Cardiovascular phenotype. Last evaluated: 2024-02-22. Review status: criteria provided, single submitter. Criteria: Ambry Variant Classification Scheme 2023. Collection method: clinical testing. Allele origin: germline.
Comment: The p.D1432Y variant (also known as c.4294G>T), located in coding exon 25 of the SCN10A gene, results from a G to T substitution at nucleotide position 4294. The aspartic acid at codon 1432 is replaced by tyrosine, an amino acid with highly dissimilar properties. This amino acid position is conserved. In addition, this alteration is predicted to be deleterious by in silico analysis. Based on the available evidence, the clinical significance of this alteration remains unclear.

NM_006514.4(SCN10A):c.4294G>T (p.Asp1432Tyr)

Gene: SCN10A (sodium voltage-gated channel alpha subunit 10; minus strand). Cytogenetic location: 3p22.2.
Variant type: single nucleotide variant.
Coding change: c.4294G>T on transcript NM_006514.4 (MANE Select); coding-DNA position 4294, G replaced by T.
Protein change: p.Asp1432Tyr; replaces aspartic acid 1432 with tyrosine.
Molecular consequence: missense variant.
Genome position (GRCh38, 1-based): chr3:38,707,371, C>A on the plus strand (G>T on the coding strand, the complement: SCN10A is on the minus strand). VCF-style: chr3-38707371-C-A. GRCh37 (hg19) VCF-style: chr3-38748862-C-A.
Other names: c.4291G>T, p.Asp1431Tyr (NM_001293306.2); c.4000G>T, p.Asp1334Tyr (NM_001293307.2); short protein forms D1334Y, D1431Y, D1432Y.
Identifiers: ClinVar variation 3225659 (VCV003225659.1), dbSNP rs760268052, ClinGen allele CA352148760.